The following is an entry in ClinVar:

NM_002860.4(ALDH18A1):c.408C>A (p.Ser136Arg)

Gene: ALDH18A1 (aldehyde dehydrogenase 18 family member A1; minus strand). Cytogenetic location: 10q24.1.
Variant type: single nucleotide variant.
Coding change: c.408C>A on transcript NM_002860.4 (MANE Select); coding-DNA position 408, C replaced by A.
Protein change: p.Ser136Arg; replaces serine 136 with arginine.
Molecular consequence: missense variant. On other transcripts: intron variant (1).
Genome position (GRCh38, 1-based): chr10:95,637,332, G>T on the plus strand (C>A on the coding strand, the complement: ALDH18A1 is on the minus strand). VCF-style: chr10-95637332-G-T. GRCh37 (hg19) VCF-style: chr10-97397089-G-T.
Other names: c.408C>A, p.Ser136Arg (NM_001017423.2, NM_001323413.2, NM_001323414.2 and 2 more transcripts); c.75C>A, p.Ser25Arg (NM_001323412.2, NM_001323416.2, NM_001323418.2); c.-78-3683C>A (NM_001323419.2); short protein forms S136R, S25R.
Identifiers: ClinVar variation 1720743 (VCV001720743.6), dbSNP rs1292403369, ClinGen allele CA377706688.

ClinVar aggregate classification (germline): Likely pathogenic (1 of 4 stars; one submission).

Conditions:
Autosomal dominant spastic paraplegia type 9. Identifiers: MedGen C1832669, MONDO:0015091.
de Barsy syndrome. Also called: Cutis laxa-corneal clouding-oligophrenia syndrome. Identifiers: Orphanet 2962, MedGen C0268354, MONDO:0017569.
Cutis laxa, autosomal dominant 3 (ADCL3). Identifiers: Orphanet 90348, MedGen C4225268, MONDO:0014706, OMIM 616603.

Submission:

Labcorp Genetics (formerly Invitae), Labcorp
Classification: Likely pathogenic for Autosomal dominant spastic paraplegia type 9; de Barsy syndrome; Cutis laxa, autosomal dominant 3. Last evaluated: 2022-11-25. Review status: criteria provided, single submitter. Criteria: Invitae Variant Classification Sherloc (09022015). Collection method: clinical testing. Allele origin: germline.
Comment: This sequence change replaces serine, which is neutral and polar, with arginine, which is basic and polar, at codon 136 of the ALDH18A1 protein (p.Ser136Arg). This variant is not present in population databases (gnomAD no frequency). This missense change has been observed in individual(s) with clinical features of autosomal dominant ALDH18A1-related conditions (Invitae). In at least one individual the variant was observed to be de novo. Advanced modeling of protein sequence and biophysical properties (such as structural, functional, and spatial information, amino acid conservation, physicochemical variation, residue mobility, and thermodynamic stability) has been performed at Invitae for this missense variant, however the output from this modeling did not meet the statistical confidence thresholds required to predict the impact of this variant on ALDH18A1 protein function. In summary, the currently available evidence indicates that the variant is pathogenic, but additional data are needed to prove that conclusively. Therefore, this variant has been classified as Likely Pathogenic.